The following is an entry in ClinVar:

NM_001080476.3(GRXCR1):c.75T>C (p.Ser25=)

Gene: GRXCR1 (glutaredoxin and cysteine rich domain containing 1; plus strand). Cytogenetic location: 4p13.
Variant type: single nucleotide variant.
Coding change: c.75T>C on transcript NM_001080476.3 (MANE Select); coding-DNA position 75, T replaced by C.
Protein change: p.Ser25=; no amino-acid change (serine 25 retained).
Molecular consequence: synonymous variant.
Genome position (GRCh38, 1-based): chr4:42,893,341, T>C. VCF-style: chr4-42893341-T-C. GRCh37 (hg19) VCF-style: chr4-42895358-T-C.
Identifiers: ClinVar variation 227422 (VCV000227422.4), dbSNP rs876657475, ClinGen allele CA10576635.

ClinVar aggregate classification (germline): Likely benign (1 of 4 stars; one submission).

Allele frequency attached by ClinVar (database versions not stated): gnomAD 0.00001; gnomAD exomes 0.00001 and below 0.00001.
gnomAD v4.1: 11 of 1,613,598 alleles (0.00068%); highest among the groups gnomAD compares: Non-Finnish European, 0.00093%; no homozygotes.

Submission:

Laboratory for Molecular Medicine, Mass General Brigham Personalized Medicine
Classification: Likely benign. Last evaluated: 2015-12-31. Review status: criteria provided, single submitter. Criteria: LMM Criteria. Collection method: clinical testing. Allele origin: germline. Observed: 1 variant allele.
Comment: p.Ser25Ser in exon 1 of GRXCR1: This variant is not expected to have clinical si gnificance because it does not alter an amino acid residue and is not located wi thin the splice consensus sequence.